The following is an entry in ClinVar:

NM_022124.6(CDH23):c.5398G>T (p.Val1800Leu)

Gene: CDH23 (cadherin related 23; plus strand). Cytogenetic location: 10q22.1.
Variant type: single nucleotide variant.
Coding change: c.5398G>T on transcript NM_022124.6 (MANE Select); coding-DNA position 5398, G replaced by T.
Protein change: p.Val1800Leu; replaces valine 1800 with leucine.
Molecular consequence: missense variant.
Genome position (GRCh38, 1-based): chr10:71,784,316, G>T. VCF-style: chr10-71784316-G-T. GRCh37 (hg19) VCF-style: chr10-73544073-G-T.
Other names: short protein forms V1800L.
Identifiers: ClinVar variation 1476116 (VCV001476116.8), dbSNP rs762416396, ClinGen allele CA5545742.

ClinVar aggregate classification (germline): Uncertain significance (1 of 4 stars; one submission).

Allele frequency attached by ClinVar (database versions not stated): gnomAD exomes below 0.00001; ExAC 0.00001; gnomAD 0.00001.
gnomAD v4.1: 2 of 1,613,780 alleles (0.00012%); highest among the groups gnomAD compares: African/African-American, 0.0013%; no homozygotes.

Submission:

Labcorp Genetics (formerly Invitae), Labcorp
Classification: Uncertain significance. Last evaluated: 2022-03-03. Review status: criteria provided, single submitter. Criteria: Invitae Variant Classification Sherloc (09022015). Collection method: clinical testing. Allele origin: germline.
Comment: In summary, the available evidence is currently insufficient to determine the role of this variant in disease. Therefore, it has been classified as a Variant of Uncertain Significance. Algorithms developed to predict the effect of missense changes on protein structure and function are either unavailable or do not agree on the potential impact of this missense change (SIFT: "Tolerated"; PolyPhen-2: "Not Available"; Align-GVGD: "Class C0"). This variant has not been reported in the literature in individuals affected with CDH23-related conditions. This variant is present in population databases (rs762416396, gnomAD 0.003%). This sequence change replaces valine, which is neutral and non-polar, with leucine, which is neutral and non-polar, at codon 1800 of the CDH23 protein (p.Val1800Leu).